The following is an entry in ClinVar:

NM_007294.4(BRCA1):c.59A>G (p.Lys20Arg)

Gene: BRCA1 (BRCA1 DNA repair associated; minus strand). Cytogenetic location: 17q21.31.
Variant type: single nucleotide variant.
Coding change: c.59A>G on transcript NM_007294.4 (MANE Select); coding-DNA position 59, A replaced by G.
Protein change: p.Lys20Arg; replaces lysine 20 with arginine.
Molecular consequence: missense variant. On other transcripts: 5 prime UTR variant (1), non-coding transcript variant (1).
Genome position (GRCh38, 1-based): chr17:43,124,038, T>C on the plus strand (A>G on the coding strand, the complement: BRCA1 is on the minus strand). VCF-style: chr17-43124038-T-C. GRCh37 (hg19) VCF-style: chr17-41276055-T-C.
Other names: c.-199A>G (NM_001407694.1, NM_001407724.1, NM_001407727.1 and 11 more transcripts); c.-203A>G (NM_001407695.1, NM_001408465.1); c.-344A>G (NM_001407696.1); c.-228A>G (NM_001407697.1, NM_001407846.1, NM_001407920.1); c.-29A>G (NM_001407698.1, NM_001407732.1, NM_001407736.1 and 23 more transcripts); c.-202A>G (NM_001407725.1, NM_001407730.1, NM_001407734.1 and 22 more transcripts); c.-148A>G (NM_001407726.1, NM_001407751.1); c.-206A>G (NM_001407741.1, NM_001407934.1, NM_001408497.1); and 8 more; short protein forms K20R.
Identifiers: ClinVar variation 868746 (VCV000868746.3), dbSNP rs2055724752, ClinGen allele CA10602037.

Conditions:
Breast-ovarian cancer, familial, susceptibility to, 1 (BROVCA1). Also called: BRCA1 Hereditary Breast and Ovarian Cancer; OVARIAN CANCER, SUSCEPTIBILITY TO. Identifiers: Orphanet 145, MedGen C2676676, MONDO:0011450, OMIM 604370. Disease mechanism: loss of function.

Submission:

Brotman Baty Institute, University of Washington
No classification provided (evidence only). Condition: Breast-ovarian cancer, familial 1. Review status: no classification provided. Collection method: in vitro. Allele origin: not applicable. Functional consequence: functionally_normal.
ClinVar note: "not provided" was previously submitted as the classification for the variant. However, the classification appeared to be based only on an observation of functional data so it was converted to no classification on 2025-07-30.